The following is an entry in ClinVar:

NM_003227.4(TFR2):c.1648del (p.Val550fs)

Gene: TFR2 (transferrin receptor 2; minus strand). Cytogenetic location: 7q22.1.
Variant type: Deletion.
Coding change: c.1648del on transcript NM_003227.4 (MANE Select); coding-DNA position 1648, one base deleted (G; older notation c.1648delG).
Protein change: p.Val550fs; shifts the reading frame from valine 550.
Molecular consequence: frameshift variant.
Genome position (GRCh38, 1-based): chr7:100,627,778, C deleted on the plus strand (G on the coding strand, the reverse complement: TFR2 is on the minus strand); the first of 2 consecutive C bases (chr7:100,627,778-100,627,779); deleting either gives the same sequence. VCF-style (leftmost placement, unchanged base first): chr7-100627777-AC-A. GRCh37 (hg19) VCF-style: chr7-100225400-AC-A.
Other names: c.1135del, p.Val379fs (NM_001206855.3); short protein forms V379fs, V550fs.
Identifiers: ClinVar variation 4062221 (VCV004062221.2).

ClinVar aggregate classification (germline): Likely pathogenic (1 of 4 stars; one submission).

Conditions:
Hemochromatosis type 3 (HFE3). Also called: HEMOCHROMATOSIS DUE TO DEFECT IN TRANSFERRIN RECEPTOR 2; Hereditary hemochromatosis type 3; TFR2-Related Hemochromatosis. Identifiers: Orphanet 225123, MedGen C1858664, MONDO:0011417, OMIM 604250.

Submission:

Natera, Inc.
Classification: Likely pathogenic for Hereditary hemochromatosis type 3. Last evaluated: 2025-01-21. Review status: criteria provided, single submitter. Criteria: Natera Variant Classification Schema (03/2026). Collection method: clinical testing. Allele origin: germline.
Comment: The c.1648del variant in TFR2 is a frameshift variant predicted to shift the reading frame beginning at codon 550 and leads to a stop codon 12 codons downstream. This variant is expected to result in nonsense mediated decay, truncation, or a dysfunctional protein product. This variant is rare in the general population with a frequency below the threshold expected for the associated phenotype(s). Given the available evidence, this variant is classified as Likely Pathogenic.